The following is an entry in ClinVar:

ClinVar aggregate classification (germline): Uncertain significance (1 of 4 stars; one submission).

Submission:

Athena Diagnostics
Classification: Uncertain significance. Last evaluated: 2025-05-28. Review status: criteria provided, single submitter. Criteria: Athena Diagnostics Criteria. Collection method: clinical testing. Allele origin: unknown.
Comment: Available data are insufficient to determine the clinical significance of the variant at this time. This variant has not been reported in large, multi-ethnic general populations. Polyphen and MutationTaster predict this amino acid change may be damaging to the protein. The variant is located in a region that is considered important for protein function and/or structure.

NM_001165963.4(SCN1A):c.1046A>C (p.Tyr349Ser)

Gene: SCN1A (sodium voltage-gated channel alpha subunit 1; minus strand). Cytogenetic location: 2q24.3.
Variant type: single nucleotide variant.
Coding change: c.1046A>C on transcript NM_001165963.4 (MANE Select); coding-DNA position 1046, A replaced by C.
Protein change: p.Tyr349Ser; replaces tyrosine 349 with serine.
Molecular consequence: missense variant. On other transcripts: 5 prime UTR variant (1), non-coding transcript variant (1).
Genome position (GRCh38, 1-based): chr2:166,047,751, T>G on the plus strand (A>C on the coding strand, the complement: SCN1A is on the minus strand). VCF-style: chr2-166047751-T-G. GRCh37 (hg19) VCF-style: chr2-166904261-T-G.
Other names: c.1046A>C, p.Tyr349Ser (NM_001165964.3, NM_001202435.3, NM_001353948.2 and 10 more transcripts); c.-1380A>C (NM_001353961.2); short protein forms Y349S.
Identifiers: ClinVar variation 4682191 (VCV004682191.1).